The following is an entry in ClinVar:

NM_005477.3(HCN4):c.3073C>A (p.Leu1025Ile)

Gene: HCN4 (hyperpolarization activated cyclic nucleotide gated potassium channel 4; minus strand). Cytogenetic location: 15q24.1.
Variant type: single nucleotide variant.
Coding change: c.3073C>A on transcript NM_005477.3 (MANE Select); coding-DNA position 3073, C replaced by A.
Protein change: p.Leu1025Ile; replaces leucine 1025 with isoleucine.
Molecular consequence: missense variant.
Genome position (GRCh38, 1-based): chr15:73,323,020, G>T on the plus strand (C>A on the coding strand, the complement: HCN4 is on the minus strand). VCF-style: chr15-73323020-G-T. GRCh37 (hg19) VCF-style: chr15-73615361-G-T.
Other names: short protein forms L1025I.
Identifiers: ClinVar variation 2140806 (VCV002140806.5), dbSNP rs769698890, ClinGen allele CA7648888.

ClinVar aggregate classification (germline): Conflicting classifications of pathogenicity. Review status: criteria provided, conflicting classifications (1 of 4 stars). 2 submissions from 2 submitters: Uncertain significance (1); Likely benign (1). Last evaluated 2024-03-05.

Conditions:
Brugada syndrome 8 (BRGDA8). Identifiers: Orphanet 130, MedGen C2751083, MONDO:0013148, OMIM 613123.

Allele frequency attached by ClinVar (database versions not stated): TOPMed below 0.00001; gnomAD 0.00001; gnomAD exomes 0.00001.

Submissions (2):

Labcorp Genetics (formerly Invitae), Labcorp
Classification: Uncertain significance for Brugada syndrome 8. Last evaluated: 2024-03-05. Review status: criteria provided, single submitter. Criteria: Invitae Variant Classification Sherloc (09022015). Collection method: clinical testing. Allele origin: germline.
Comment: This sequence change replaces leucine, which is neutral and non-polar, with isoleucine, which is neutral and non-polar, at codon 1025 of the HCN4 protein (p.Leu1025Ile). This variant is present in population databases (rs769698890, gnomAD 0.01%). This variant has not been reported in the literature in individuals affected with HCN4-related conditions. ClinVar contains an entry for this variant (Variation ID: 2140806). Advanced modeling of protein sequence and biophysical properties (such as structural, functional, and spatial information, amino acid conservation, physicochemical variation, residue mobility, and thermodynamic stability) performed at Invitae indicates that this missense variant is not expected to disrupt HCN4 protein function with a negative predictive value of 95%. In summary, the available evidence is currently insufficient to determine the role of this variant in disease. Therefore, it has been classified as a Variant of Uncertain Significance.

Blueprint Genetics
Classification: Likely benign. Last evaluated: 2023-02-17. Review status: criteria provided, single submitter. Criteria: ACMG Guidelines, 2015. Collection method: clinical testing. Allele origin: germline.